The following is an entry in ClinVar:

NM_000059.4(BRCA2):c.3960A>C (p.Glu1320Asp)

Gene: BRCA2 (BRCA2 DNA repair associated; plus strand). Cytogenetic location: 13q13.1.
Variant type: single nucleotide variant.
Coding change: c.3960A>C on transcript NM_000059.4 (MANE Select); coding-DNA position 3960, A replaced by C.
Protein change: p.Glu1320Asp; replaces glutamic acid 1320 with aspartic acid.
Molecular consequence: missense variant.
Genome position (GRCh38, 1-based): chr13:32,338,315, A>C. VCF-style: chr13-32338315-A-C. GRCh37 (hg19) VCF-style: chr13-32912452-A-C.
Other names: c.3960A>C, p.Glu1320Asp (NM_001406719.1, NM_001406720.1); short protein forms E1320D.
Identifiers: ClinVar variation 1736519 (VCV001736519.4), dbSNP rs1593901020, ClinGen allele CA387778913.

ClinVar aggregate classification (germline): Conflicting classifications of pathogenicity. Review status: criteria provided, conflicting classifications (1 of 4 stars). 2 submissions from 2 submitters: Uncertain significance (1); Likely benign (1). Last evaluated 2023-03-23.

Conditions:
Hereditary cancer-predisposing syndrome. Also called: Neoplastic Syndromes, Hereditary; Tumor predisposition; Hereditary Cancer Syndrome; Hereditary neoplastic syndrome. Identifiers: Orphanet 140162, MedGen C0027672, MeSH D009386, MONDO:0015356.

Submissions (2):

University of Washington Department of Laboratory Medicine, University of Washington
Classification: Likely benign for Hereditary cancer-predisposing syndrome. Last evaluated: 2023-03-23. Review status: criteria provided, single submitter. Criteria: Dines et al. (Genet Med. 2020). Collection method: curation. Allele origin: germline.
Comment: Missense variant in a coldspot region where missense variants are very unlikely to be pathogenic (PMID:31911673).

BRCA2 exon 11 coldspot. Reclassification based on statistical prior probability.

Ambry Genetics
Classification: Uncertain significance for Hereditary cancer-predisposing syndrome. Last evaluated: 2017-10-06. Review status: criteria provided, single submitter. Criteria: Ambry Variant Classification Scheme 2023. Collection method: clinical testing. Allele origin: germline.
Comment: The p.E1320D variant (also known as c.3960A>C), located in coding exon 10 of the BRCA2 gene, results from an A to C substitution at nucleotide position 3960. The glutamic acid at codon 1320 is replaced by aspartic acid, an amino acid with highly similar properties. This amino acid position is not well conserved in available vertebrate species. In addition, this alteration is predicted to be tolerated by in silico analysis. Since supporting evidence is limited at this time, the clinical significance of this alteration remains unclear.